The following is an entry in ClinVar:

NM_000709.4(BCKDHA):c.375+5G>A

Gene: BCKDHA (branched chain keto acid dehydrogenase E1 subunit alpha; plus strand). Cytogenetic location: 19q13.2.
Variant type: single nucleotide variant.
Coding change: c.375+5G>A on transcript NM_000709.4 (MANE Select); 5 bases into the intron after coding-DNA position 375, G replaced by A.
Molecular consequence: intron variant.
Genome position (GRCh38, 1-based): chr19:41,411,014, G>A. VCF-style: chr19-41411014-G-A. GRCh37 (hg19) VCF-style: chr19-41916919-G-A.
Other names: c.375+5G>A (NM_001164783.2).
Identifiers: ClinVar variation 2177655 (VCV002177655.1), dbSNP rs753696309, ClinGen allele CA9461100.

ClinVar aggregate classification (germline): Uncertain significance (1 of 4 stars; one submission).

Conditions:
Maple syrup urine disease (MSUD). Identifiers: Orphanet 511, MedGen C0024776, MeSH D008375, MONDO:0009563. Disease mechanism: loss of function.

Allele frequency attached by ClinVar (database versions not stated): ExAC 0.00002; TOPMed 0.00003; gnomAD 0.00004.
gnomAD v4.1: 58 of 1,613,812 alleles (0.0036%); highest among the groups gnomAD compares: Middle Eastern, 0.016%; no homozygotes.

Submission:

Labcorp Genetics (formerly Invitae), Labcorp
Classification: Uncertain significance for Maple syrup urine disease. Last evaluated: 2021-06-15. Review status: criteria provided, single submitter. Criteria: Invitae Variant Classification Sherloc (09022015). Collection method: clinical testing. Allele origin: germline.
Comment: This sequence change falls in intron 3 of the BCKDHA gene. It does not directly change the encoded amino acid sequence of the BCKDHA protein. It affects a nucleotide within the consensus splice site of the intron. This variant is present in population databases (rs753696309, ExAC 0.005%). This variant has not been reported in the literature in individuals with BCKDHA-related conditions. Nucleotide substitutions within the consensus splice site are a relatively common cause of aberrant splicing (PMID: 17576681, 9536098). Algorithms developed to predict the effect of sequence changes on RNA splicing suggest that this variant may disrupt the consensus splice site, but this prediction has not been confirmed by published transcriptional studies. In summary, the available evidence is currently insufficient to determine the role of this variant in disease. Therefore, it has been classified as a Variant of Uncertain Significance.

Literature cited by the submitters: PubMed 17576681; PubMed 9536098.